The following is an entry in ClinVar:

NM_004260.4(RECQL4):c.1227C>T (p.Phe409=)

Gene: RECQL4 (RecQ like helicase 4; minus strand). Cytogenetic location: 8q24.3.
Variant type: single nucleotide variant.
Coding change: c.1227C>T on transcript NM_004260.4 (MANE Select); coding-DNA position 1227, C replaced by T.
Protein change: p.Phe409=; no amino-acid change (phenylalanine 409 retained).
Molecular consequence: synonymous variant.
Genome position (GRCh38, 1-based): chr8:144,515,795, G>A on the plus strand (C>T on the coding strand, the complement: RECQL4 is on the minus strand). VCF-style: chr8-144515795-G-A. GRCh37 (hg19) VCF-style: chr8-145741179-G-A.
Identifiers: ClinVar variation 414232 (VCV000414232.11), dbSNP rs1060504219, ClinGen allele CA16612540.
Genomic context (GRCh38, chr8:144,515,795, plus strand): 5'-GGACCCACCCTCCAGGGCAGATGTCTCACCTGGCCGGGGACACTGGGCTGCCCAGTGATC[G>A]AACTGCTCGTTCAGGAAACAAGACTCCTTGGTTGTGACTGTGGCACCACCACCCCCAAAA-3'
Protein context (NP_004251.4, residues 399-419): TKESCFLNEQ[Phe409=]DHWAAQCPRP

ClinVar aggregate classification (germline): Likely benign. Review status: criteria provided, multiple submitters, no conflicts (2 of 4 stars). 2 submissions from 2 submitters: Likely benign (2). Last evaluated 2026-03-01.

Conditions:
Baller-Gerold syndrome (BGS). Also called: CRANIOSYNOSTOSIS WITH RADIAL DEFECTS. Identifiers: Orphanet 1225, MedGen C0265308, MONDO:0009039, OMIM 218600.

Allele frequency attached by ClinVar (database versions not stated): gnomAD 0.00001; TOPMed 0.00001.
gnomAD v4.1: 39 of 1,612,434 alleles (0.0024%); highest among the groups gnomAD compares: Non-Finnish European, 0.0032%; no homozygotes.

Submissions (2):

CeGaT Center for Human Genetics Tuebingen
Classification: Likely benign. Last evaluated: 2026-03-01. Review status: criteria provided, single submitter. Criteria: CeGaT Center For Human Genetics Tuebingen Variant Classification Criteria Version 2. Collection method: clinical testing. Allele origin: germline. Affected: yes. Observed: 1 variant allele.
Comment: RECQL4: BP4, BP7

Labcorp Genetics (formerly Invitae), Labcorp
Classification: Likely benign for Baller-Gerold syndrome. Last evaluated: 2023-08-01. Review status: criteria provided, single submitter. Criteria: Invitae Variant Classification Sherloc (09022015). Collection method: clinical testing. Allele origin: germline.